The following is an entry in ClinVar:

ClinVar aggregate classification (germline): Uncertain significance (1 of 4 stars; one submission).

gnomAD v4.1: 7 of 1,613,956 alleles (0.00043%); highest among the groups gnomAD compares: East Asian, 0.0045%; no homozygotes.

Submission:

Ambry Genetics
Classification: Uncertain significance. Last evaluated: 2025-02-14. Review status: criteria provided, single submitter. Criteria: Ambry Variant Classification Scheme 2023. Collection method: clinical testing. Allele origin: germline.
Comment: The p.V742M variant (also known as c.2224G>A), located in coding exon 12 of the ATRIP gene, results from a G to A substitution at nucleotide position 2224. The valine at codon 742 is replaced by methionine, an amino acid with highly similar properties. This amino acid position is conserved. In addition, this alteration is predicted to be tolerated by in silico analysis. Based on the available evidence, the clinical significance of this variant remains unclear.

NM_130384.3(ATRIP):c.2224G>A (p.Val742Met)

Genes: ATRIP (ATR interacting protein; plus strand), ATRIP-TREX1 (ATRIP-TREX1 readthrough; plus strand). Cytogenetic location: 3p21.31.
Variant type: single nucleotide variant.
Coding change: c.2224G>A on transcript NM_130384.3 (MANE Select); coding-DNA position 2224, G replaced by A.
Protein change: p.Val742Met; replaces valine 742 with methionine.
Molecular consequence: missense variant. On other transcripts: non-coding transcript variant (1).
Genome position (GRCh38, 1-based): chr3:48,464,999, G>A. VCF-style: chr3-48464999-G-A. GRCh37 (hg19) VCF-style: chr3-48506398-G-A.
Other names: c.1843G>A, p.Val615Met (NM_001271022.2); c.1945G>A, p.Val649Met (NM_001271023.2); c.2143G>A, p.Val715Met (NM_032166.4); short protein forms V649M, V715M, V615M, V742M.
Identifiers: ClinVar variation 3332461 (VCV003332461.2).